The following is an entry in ClinVar:

ClinVar aggregate classification (germline): Likely benign (1 of 4 stars; one submission).

Submission:

GeneDx
Classification: Likely benign. Last evaluated: 2012-10-11. Review status: criteria provided, single submitter. Criteria: GeneDx Variant Classification (06012015). Collection method: clinical testing. Allele origin: germline. Affected: yes.
Comment: This variant is considered likely benign or benign based on one or more of the following criteria: it is a conservative change, it occurs at a poorly conserved position in the protein, it is predicted to be benign by multiple in silico algorithms, and/or has population frequency not consistent with disease.

NM_001267550.2(TTN):c.17833T>G (p.Ser5945Ala)

Gene: TTN (titin; minus strand). Cytogenetic location: 2q31.2.
Variant type: single nucleotide variant.
Coding change: c.17833T>G on transcript NM_001267550.2 (MANE Select); coding-DNA position 17833, T replaced by G.
Protein change: p.Ser5945Ala; replaces serine 5945 with alanine.
Molecular consequence: missense variant. On other transcripts: intron variant (3).
Genome position (GRCh38, 1-based): chr2:178,730,700, A>C on the plus strand (T>G on the coding strand, the complement: TTN is on the minus strand). VCF-style: chr2-178730700-A-C. GRCh37 (hg19) VCF-style: chr2-179595427-A-C.
Other names: p.S4701A:TCA>GCA; c.16882T>G, p.Ser5628Ala (NM_001256850.1); c.14101T>G, p.Ser4701Ala (NM_133378.4); c.13282+7382T>G (NM_003319.4); c.13858+7382T>G (NM_133437.4); c.13657+7382T>G (NM_133432.3); short protein forms S4701A, S5945A, S5628A.
Identifiers: ClinVar variation 202351 (VCV000202351.3), dbSNP rs776790387, ClinGen allele CA309177.